The following is an entry in ClinVar:

NM_001987.5(ETV6):c.944T>C (p.Met315Thr)

Gene: ETV6 (ETS variant transcription factor 6; plus strand). Cytogenetic location: 12p13.2.
Variant type: single nucleotide variant.
Coding change: c.944T>C on transcript NM_001987.5 (MANE Select); coding-DNA position 944, T replaced by C.
Protein change: p.Met315Thr; replaces methionine 315 with threonine.
Molecular consequence: missense variant.
Genome position (GRCh38, 1-based): chr12:11,869,904, T>C. VCF-style: chr12-11869904-T-C. GRCh37 (hg19) VCF-style: chr12-12022838-T-C.
Other names: c.941T>C, p.Met314Thr (NM_001413913.1); c.917T>C, p.Met306Thr (NM_001413914.1); c.680T>C, p.Met227Thr (NM_001413915.1); c.944T>C, p.Met315Thr (NM_001413916.1, NM_001413917.1); short protein forms M314T, M306T, M227T, M315T.
Identifiers: ClinVar variation 3510597 (VCV003510597.1).

ClinVar aggregate classification (germline): Uncertain significance (1 of 4 stars; one submission).

Conditions:
Inborn genetic diseases. Identifiers: MedGen C0950123, MeSH D030342.

gnomAD v4.1: 3 of 1,612,446 alleles (0.00019%); highest among the groups gnomAD compares: South Asian, 0.0022%; no homozygotes.

Submission:

Ambry Genetics
Classification: Uncertain significance for Inborn genetic diseases. Last evaluated: 2024-12-08. Review status: criteria provided, single submitter. Criteria: Ambry Variant Classification Scheme 2023. Collection method: clinical testing. Allele origin: germline.
Comment: The p.M315T variant (also known as c.944T>C), located in coding exon 5 of the ETV6 gene, results from a T to C substitution at nucleotide position 944. The methionine at codon 315 is replaced by threonine, an amino acid with similar properties. This amino acid position is conserved. In addition, this alteration is predicted to be tolerated by in silico analysis. Based on the available evidence, the clinical significance of this variant remains unclear.